The following is an entry in ClinVar:

ClinVar aggregate classification (germline): Uncertain significance (1 of 4 stars; one submission).

Submission:

Labcorp Genetics (formerly Invitae), Labcorp
Classification: Uncertain significance. Last evaluated: 2020-02-11. Review status: criteria provided, single submitter. Criteria: Invitae Variant Classification Sherloc (09022015). Collection method: clinical testing. Allele origin: germline.
Comment: This variant has not been reported in the literature in individuals with VCAN-related conditions. This variant is not present in population databases (ExAC no frequency). This sequence change replaces serine with proline at codon 2417 of the VCAN protein (p.Ser2417Pro). The serine residue is highly conserved and there is a moderate physicochemical difference between serine and proline. Algorithms developed to predict the effect of missense changes on protein structure and function output the following: SIFT: "Deleterious"; PolyPhen-2: "Benign"; Align-GVGD: "Class C65". The proline amino acid residue is found in multiple mammalian species, suggesting that this missense change does not adversely affect protein function. These predictions have not been confirmed by published functional studies and their clinical significance is uncertain. In summary, the available evidence is currently insufficient to determine the role of this variant in disease. Therefore, it has been classified as a Variant of Uncertain Significance.

NM_004385.5(VCAN):c.7249T>C (p.Ser2417Pro)

Genes: VCAN (versican; plus strand), VCAN-AS1 (VCAN antisense RNA 1; minus strand). Cytogenetic location: 5q14.3.
Variant type: single nucleotide variant.
Coding change: c.7249T>C on transcript NM_004385.5 (MANE Select); coding-DNA position 7249, T replaced by C.
Protein change: p.Ser2417Pro; replaces serine 2417 with proline.
Molecular consequence: missense variant. On other transcripts: intron variant (2).
Genome position (GRCh38, 1-based): chr5:83,540,252, T>C. VCF-style: chr5-83540252-T-C. GRCh37 (hg19) VCF-style: chr5-82836071-T-C.
Other names: c.4288T>C, p.Ser1430Pro (NM_001164097.2); c.4004-5285T>C (NM_001164098.2); c.1043-5285T>C (NM_001126336.3); short protein forms S1430P, S2417P.
Identifiers: ClinVar variation 972312 (VCV000972312.9), dbSNP rs1746915479, ClinGen allele CA360314337.